The following is an entry in ClinVar:

ClinVar aggregate classification (germline): Conflicting classifications of pathogenicity. Review status: criteria provided, conflicting classifications (1 of 4 stars). 2 submissions from 2 submitters: Uncertain significance (1); Likely benign (1). Last evaluated 2023-10-12.

Conditions:
Hypertrophic cardiomyopathy. Also called: HYPERTROPHIC MYOCARDIOPATHY. Identifiers: Orphanet 217569, MedGen C0007194, MeSH D002312, MONDO:0005045, HP:0001639.

Allele frequency attached by ClinVar (database versions not stated): TOPMed 0.00001.
gnomAD v4.1: 4 of 1,613,886 alleles (0.00025%); highest among the groups gnomAD compares: Admixed American, 0.0067%; no homozygotes.

Submissions (2):

Labcorp Genetics (formerly Invitae), Labcorp
Classification: Uncertain significance for Hypertrophic cardiomyopathy. Last evaluated: 2023-10-12. Review status: criteria provided, single submitter. Criteria: Invitae Variant Classification Sherloc (09022015). Collection method: clinical testing. Allele origin: germline.
Comment: This sequence change replaces glutamic acid, which is acidic and polar, with glutamine, which is neutral and polar, at codon 259 of the TPM1 protein (p.Glu259Gln). This variant is present in population databases (rs397516389, gnomAD 0.009%). This variant has not been reported in the literature in individuals affected with TPM1-related conditions. ClinVar contains an entry for this variant (Variation ID: 181653). An algorithm developed to predict the effect of missense changes on protein structure and function (PolyPhen-2) suggests that this variant is likely to be tolerated. Algorithms developed to predict the effect of sequence changes on RNA splicing suggest that this variant may create or strengthen a splice site. In summary, the available evidence is currently insufficient to determine the role of this variant in disease. Therefore, it has been classified as a Variant of Uncertain Significance.

GeneDx
Classification: Likely benign. Last evaluated: 2012-11-09. Review status: criteria provided, single submitter. Criteria: GeneDx Variant Classification (06012015). Collection method: clinical testing. Allele origin: germline. Affected: yes.
Comment: This variant is considered likely benign or benign based on one or more of the following criteria: it is a conservative change, it occurs at a poorly conserved position in the protein, it is predicted to be benign by multiple in silico algorithms, and/or has population frequency not consistent with disease.

NM_001018005.2(TPM1):c.775G>C (p.Glu259Gln)

Gene: TPM1 (tropomyosin 1; plus strand). Cytogenetic location: 15q22.2.
Variant type: single nucleotide variant.
Coding change: c.775G>C on transcript NM_001018005.2 (MANE Select); coding-DNA position 775, G replaced by C.
Protein change: p.Glu259Gln; replaces glutamic acid 259 with glutamine.
Molecular consequence: missense variant. On other transcripts: intron variant (12).
Genome position (GRCh38, 1-based): chr15:63,064,066, G>C. VCF-style: chr15-63064066-G-C. GRCh37 (hg19) VCF-style: chr15-63356265-G-C.
Other names: p.E259Q:GAG>CAG; c.775G>C, p.Glu259Gln (NM_000366.6, NM_001301244.2, NM_001365779.1); c.667G>C, p.Glu223Gln (NM_001330346.2, NM_001365781.2, NM_001365782.1); c.898+1421G>C (NM_001365778.1); c.772+1421G>C (NM_001018020.2, NM_001018007.2, NM_001018006.2 and 3 more transcripts); c.664+1421G>C (NM_001330351.2, NM_001330344.2, NM_001018008.2 and 2 more transcripts); short protein forms E259Q, E223Q.
Identifiers: ClinVar variation 181653 (VCV000181653.4), dbSNP rs397516389, ClinGen allele CA018458.
Genomic context (GRCh38, chr15:63,064,066, plus strand): 5'-CCATTTCTTGATCACTCTCCATGTTCTTGCACCTCTGCCTTCCACTTCCTGGTCATAGAC[G>C]AGCTGTACGCTCAGAAACTGAAGTACAAAGCCATCAGCGAGGAGCTGGACCACGCTCTCA-3'
Protein context (NP_001018005.1, residues 249-269): LEKSIDDLED[Glu259Gln]LYAQKLKYKA